The following is an entry in ClinVar:

ClinVar aggregate classification (germline): Benign/Likely benign. Review status: criteria provided, multiple submitters, no conflicts (2 of 4 stars). 5 submissions from 5 submitters: Benign (2); Likely benign (3). Last evaluated 2026-06-02.

Conditions:
Hereditary spastic paraplegia 57. Also called: Spastic paraplegia 57, autosomal recessive. Identifiers: Orphanet 431329, MedGen C3714897, MONDO:0014295, OMIM 615658.
Hereditary motor and sensory neuropathy, Okinawa type (HMSNO). Also called: HEREDITARY MOTOR AND SENSORY NEUROPATHY, PROXIMAL TYPE. Identifiers: Orphanet 90117, MedGen C1858338, MONDO:0011468, OMIM 604484.

Allele frequency attached by ClinVar (database versions not stated): gnomAD exomes 0.00009; ESP Exome Variant Server 0.00062; 1000 Genomes Project 30x 0.00094; gnomAD 0.00111 and 0.00116; TOPMed 0.00111; 1000 Genomes Project 0.00120.
gnomAD v4.1: 318 of 1,596,198 alleles (0.02%); highest among the groups gnomAD compares: African/African-American, 0.39%; 2 homozygotes.

Submissions (5):

Women's Health and Genetics/Laboratory Corporation of America, LabCorp
Classification: Benign. Last evaluated: 2026-06-02. Review status: criteria provided, single submitter. Criteria: LabCorp Variant Classification Summary - May 2015. Collection method: clinical testing. Allele origin: germline.
Comment: Variant summary: TFG c.415+7C>G alters a nucleotide located at a position not widely known to affect splicing. Consensus agreement among computation tools predict no significant impact on normal splicing. However, these predictions have yet to be confirmed by functional studies. The variant allele was found at a frequency of 0.00029 in 234158 control chromosomes, predominantly at a frequency of 0.0043 within the African or African-American subpopulation in the gnomAD database. The observed variant frequency within African or African-American control individuals in the gnomAD database exceeds the estimated maximal expected allele frequency for disease-causing variants in TFG. To our knowledge, no occurrence of c.415+7C>G in individuals affected with TFG-related conditions and no experimental evidence demonstrating its impact on protein function have been reported. ClinVar contains an entry for this variant (Variation ID: 466409). Based on the evidence outlined above, the variant was classified as benign.

Labcorp Genetics (formerly Invitae), Labcorp
Classification: Benign for Hereditary motor and sensory neuropathy, Okinawa type; Hereditary spastic paraplegia 57. Last evaluated: 2025-09-22. Review status: criteria provided, single submitter. Criteria: Invitae Variant Classification Sherloc (09022015). Collection method: clinical testing. Allele origin: germline.

Mayo Clinic Laboratories, Mayo Clinic
Classification: Likely benign. Last evaluated: 2025-05-27. Review status: criteria provided, single submitter. Criteria: ACMG Guidelines, 2015. Collection method: clinical testing. Allele origin: germline. Observed: 1 variant allele.
Comment: BS1, BP4, BP7

Blueprint Genetics
Classification: Likely benign. Last evaluated: 2024-11-13. Review status: criteria provided, single submitter. Criteria: ACMG Guidelines, 2015. Collection method: clinical testing. Allele origin: germline.

ARUP Laboratories, Molecular Genetics and Genomics, ARUP Laboratories
Classification: Likely benign. Last evaluated: 2024-10-15. Review status: criteria provided, single submitter. Criteria: ARUP Molecular Germline Variant Investigation Process 2024. Collection method: clinical testing. Allele origin: germline.

NM_006070.6(TFG):c.415+7C>G

Gene: TFG (trafficking from ER to golgi regulator; plus strand). Cytogenetic location: 3q12.2.
Variant type: single nucleotide variant.
Coding change: c.415+7C>G on transcript NM_006070.6 (MANE Select); 7 bases into the intron after coding-DNA position 415, C replaced by G.
Molecular consequence: intron variant.
Genome position (GRCh38, 1-based): chr3:100,728,865, C>G. VCF-style: chr3-100728865-C-G. GRCh37 (hg19) VCF-style: chr3-100447709-C-G.
Other names: p.?; c.415+7C>G (NM_001007565.2, NM_001195479.2, NM_001195478.2).
Identifiers: ClinVar variation 466409 (VCV000466409.17), dbSNP rs149927288, ClinGen allele CA2517067.
Genomic context (GRCh38, chr3:100,728,865, plus strand): 5'-ATAGCTTGGAACCACCTGGAGAACCAGGACCTTCCACCAATATTCCTGAAAATGGTAAAC[C>G]CTGAATCCATTGTATTCTGACTTATTGTTCTTACGTCTTTTTGGAGGTTTTAAAAAACTC-3'